The following is an entry in ClinVar:

NM_016284.5(CNOT1):c.998C>T (p.Ala333Val)

Gene: CNOT1 (CCR4-NOT transcription complex subunit 1; minus strand). Cytogenetic location: 16q21.
Variant type: single nucleotide variant.
Coding change: c.998C>T on transcript NM_016284.5 (MANE Select); coding-DNA position 998, C replaced by T.
Protein change: p.Ala333Val; replaces alanine 333 with valine.
Molecular consequence: missense variant. On other transcripts: non-coding transcript variant (1).
Genome position (GRCh38, 1-based): chr16:58,582,839, G>A on the plus strand (C>T on the coding strand, the complement: CNOT1 is on the minus strand). VCF-style: chr16-58582839-G-A. GRCh37 (hg19) VCF-style: chr16-58616743-G-A.
Other names: c.998C>T, p.Ala333Val (NM_001265612.2, NM_206999.3); short protein forms A333V.
Identifiers: ClinVar variation 3689816 (VCV003689816.2).

ClinVar aggregate classification (germline): Uncertain significance (1 of 4 stars; one submission).

Submission:

Labcorp Genetics (formerly Invitae), Labcorp
Classification: Uncertain significance. Last evaluated: 2024-11-19. Review status: criteria provided, single submitter. Criteria: Invitae Variant Classification Sherloc (09022015). Collection method: clinical testing. Allele origin: germline.
Comment: This sequence change replaces alanine, which is neutral and non-polar, with valine, which is neutral and non-polar, at codon 333 of the CNOT1 protein (p.Ala333Val). This variant is present in population databases (rs779086995, gnomAD 0.007%). This variant has not been reported in the literature in individuals affected with CNOT1-related conditions. An algorithm developed to predict the effect of missense changes on protein structure and function (PolyPhen-2) suggests that this variant is likely to be tolerated. In summary, the available evidence is currently insufficient to determine the role of this variant in disease. Therefore, it has been classified as a Variant of Uncertain Significance.